The following is an entry in ClinVar:

NM_014806.5(RUSC2):c.3878G>A (p.Arg1293His)

Gene: RUSC2 (RUN and SH3 domain containing 2; plus strand). Cytogenetic location: 9p13.3.
Variant type: single nucleotide variant.
Coding change: c.3878G>A on transcript NM_014806.5 (MANE Select); coding-DNA position 3878, G replaced by A.
Protein change: p.Arg1293His; replaces arginine 1293 with histidine.
Molecular consequence: missense variant. On other transcripts: non-coding transcript variant (1).
Genome position (GRCh38, 1-based): chr9:35,560,518, G>A. VCF-style: chr9-35560518-G-A. GRCh37 (hg19) VCF-style: chr9-35560515-G-A.
Other names: c.3878G>A, p.Arg1293His (NM_001135999.2); c.1244G>A, p.Arg415His (NM_001330740.2); c.3878G>A (NM_001135999.1); short protein forms R415H, R1293H.
Identifiers: ClinVar variation 1508496 (VCV001508496.6), dbSNP rs369990555, ClinGen allele CA5044259.

ClinVar aggregate classification (germline): Uncertain significance. Review status: criteria provided, multiple submitters, no conflicts (2 of 4 stars). 2 submissions from 2 submitters: Uncertain significance (2). Last evaluated 2023-08-04.

Allele frequency attached by ClinVar (database versions not stated): ExAC 0.00002; gnomAD exomes 0.00002 and 0.00019; gnomAD 0.00003; TOPMed 0.00003; ESP Exome Variant Server 0.00008.

Submissions (2):

Ambry Genetics
Classification: Uncertain significance. Last evaluated: 2023-08-04. Review status: criteria provided, single submitter. Criteria: Ambry Variant Classification Scheme 2023. Collection method: clinical testing. Allele origin: germline.

Labcorp Genetics (formerly Invitae), Labcorp
Classification: Uncertain significance. Last evaluated: 2022-09-07. Review status: criteria provided, single submitter. Criteria: Invitae Variant Classification Sherloc (09022015). Collection method: clinical testing. Allele origin: germline.
Comment: This sequence change replaces arginine, which is basic and polar, with histidine, which is basic and polar, at codon 1293 of the RUSC2 protein (p.Arg1293His). This variant is present in population databases (rs369990555, gnomAD 0.004%). This variant has not been reported in the literature in individuals affected with RUSC2-related conditions. ClinVar contains an entry for this variant (Variation ID: 1508496). Algorithms developed to predict the effect of missense changes on protein structure and function are either unavailable or do not agree on the potential impact of this missense change (SIFT: "Deleterious"; PolyPhen-2: "Probably Damaging"; Align-GVGD: "Class C0"). In summary, the available evidence is currently insufficient to determine the role of this variant in disease. Therefore, it has been classified as a Variant of Uncertain Significance.